The following is an entry in ClinVar:

NM_005535.3(IL12RB1):c.1057G>A (p.Gly353Arg)

Gene: IL12RB1 (interleukin 12 receptor subunit beta 1; minus strand). Cytogenetic location: 19p13.11.
Variant type: single nucleotide variant.
Coding change: c.1057G>A on transcript NM_005535.3 (MANE Select); coding-DNA position 1057, G replaced by A.
Protein change: p.Gly353Arg; replaces glycine 353 with arginine.
Molecular consequence: missense variant.
Genome position (GRCh38, 1-based): chr19:18,069,678, C>T on the plus strand (G>A on the coding strand, the complement: IL12RB1 is on the minus strand). VCF-style: chr19-18069678-C-T. GRCh37 (hg19) VCF-style: chr19-18180488-C-T.
Other names: c.1057G>A, p.Gly353Arg (NM_001290023.2); c.1177G>A, p.Gly393Arg (NM_001290024.2); short protein forms G353R, G393R.
Identifiers: ClinVar variation 1436630 (VCV001436630.5), dbSNP rs1265491160, ClinGen allele CA404779010.

ClinVar aggregate classification (germline): Uncertain significance (1 of 4 stars; one submission).

Conditions:
Mendelian susceptibility to mycobacterial diseases due to complete IL12RB1 deficiency. Also called: IL12RB1 DEFICIENCY; Immunodeficiency 30. Identifiers: Orphanet 319552, MedGen C4013949, MONDO:0013955, OMIM 614891.

Allele frequency attached by ClinVar (database versions not stated): gnomAD 0.00001; TOPMed 0.00001.
gnomAD v4.1: 11 of 1,612,632 alleles (0.00068%); highest among the groups gnomAD compares: South Asian, 0.0033%; no homozygotes.

Submission:

Labcorp Genetics (formerly Invitae), Labcorp
Classification: Uncertain significance for Mendelian susceptibility to mycobacterial diseases due to complete IL12RB1 deficiency. Last evaluated: 2021-08-27. Review status: criteria provided, single submitter. Criteria: Invitae Variant Classification Sherloc (09022015). Collection method: clinical testing. Allele origin: germline.
Comment: This sequence change replaces glycine with arginine at codon 353 of the IL12RB1 protein (p.Gly353Arg). The glycine residue is moderately conserved and there is a moderate physicochemical difference between glycine and arginine. This variant is not present in population databases (ExAC no frequency). This variant has not been reported in the literature in individuals affected with IL12RB1-related conditions. Algorithms developed to predict the effect of missense changes on protein structure and function output the following: SIFT: "Deleterious"; PolyPhen-2: "Benign"; Align-GVGD: "Class C0". The arginine amino acid residue is found in multiple mammalian species, which suggests that this missense change does not adversely affect protein function. Algorithms developed to predict the effect of sequence changes on RNA splicing suggest that this variant may create or strengthen a splice site. In summary, the available evidence is currently insufficient to determine the role of this variant in disease. Therefore, it has been classified as a Variant of Uncertain Significance.